The following is an entry in ClinVar:

ClinVar aggregate classification (germline): Likely benign (1 of 4 stars; one submission).

Submission:

CeGaT Center for Human Genetics Tuebingen
Classification: Likely benign. Last evaluated: 2023-02-01. Review status: criteria provided, single submitter. Criteria: CeGaT Center For Human Genetics Tuebingen Variant Classification Criteria Version 2. Collection method: clinical testing. Allele origin: germline. Affected: yes. Observed: 1 variant allele.
Comment: DDX18: PM2:Supporting, BP4, BP7

NM_006773.4(DDX18):c.1215T>C (p.Val405=)

Gene: DDX18 (DEAD-box helicase 18; plus strand). Cytogenetic location: 2q14.1.
Variant type: single nucleotide variant.
Coding change: c.1215T>C on transcript NM_006773.4 (MANE Select); coding-DNA position 1215, T replaced by C.
Protein change: p.Val405=; no amino-acid change (valine 405 retained).
Molecular consequence: synonymous variant.
Genome position (GRCh38, 1-based): chr2:117,824,948, T>C. VCF-style: chr2-117824948-T-C. GRCh37 (hg19) VCF-style: chr2-118582524-T-C.
Identifiers: ClinVar variation 2651293 (VCV002651293.24), dbSNP rs2467258057, ClinGen allele CA428381694.